The following is an entry in ClinVar:

NM_006767.4(LZTR1):c.1524_1561del (p.Leu509fs)

Gene: LZTR1 (leucine zipper like post translational regulator 1; plus strand). Cytogenetic location: 22q11.21.
Variant type: Deletion.
Coding change: c.1524_1561del on transcript NM_006767.4 (MANE Select); coding-DNA positions 1524 to 1561, 38 bases deleted.
Protein change: p.Leu509fs; shifts the reading frame from leucine 509.
Molecular consequence: frameshift variant.
Genome position (GRCh38, 1-based): chr22:20,994,178-20,994,215, 38 bases deleted; deleting any 38 consecutive bases within chr22:20,994,174-20,994,215 gives the same sequence; the c. name uses the placement nearest the transcript's 3' end. GRCh37 (hg19): chr22:21,348,467-21,348,504.
Other names: short protein forms L509fs.
Identifiers: ClinVar variation 1458759 (VCV001458759.6), dbSNP rs2147967332, ClinGen allele CA2573157824.

ClinVar aggregate classification (germline): Pathogenic (1 of 4 stars; one submission).

Submission:

Labcorp Genetics (formerly Invitae), Labcorp
Classification: Pathogenic. Last evaluated: 2021-03-29. Review status: criteria provided, single submitter. Criteria: Invitae Variant Classification Sherloc (09022015). Collection method: clinical testing. Allele origin: germline.
Comment: This sequence change creates a premature translational stop signal (p.Leu509Argfs*147) in the LZTR1 gene. It is expected to result in an absent or disrupted protein product. Loss-of-function variants in LZTR1 are known to be pathogenic (PMID: 24362817, 25335493, 25480913, 29469822, 30442762, 30859559). For these reasons, this variant has been classified as Pathogenic. This variant has not been reported in the literature in individuals with LZTR1-related conditions. This variant is not present in population databases (ExAC no frequency).

Literature cited by the submitters: PubMed 24362817; PubMed 25335493; PubMed 25480913; PubMed 29469822; PubMed 30442762; PubMed 30859559.